The following is an entry in ClinVar:

NM_000256.3(MYBPC3):c.1475A>G (p.Glu492Gly)

Gene: MYBPC3 (myosin binding protein C3; minus strand). Cytogenetic location: 11p11.2.
Variant type: single nucleotide variant.
Coding change: c.1475A>G on transcript NM_000256.3 (MANE Select); coding-DNA position 1475, A replaced by G.
Protein change: p.Glu492Gly; replaces glutamic acid 492 with glycine.
Molecular consequence: missense variant.
Genome position (GRCh38, 1-based): chr11:47,342,727, T>C on the plus strand (A>G on the coding strand, the complement: MYBPC3 is on the minus strand). VCF-style: chr11-47342727-T-C. GRCh37 (hg19) VCF-style: chr11-47364278-T-C.
Other names: short protein forms E492G.
Identifiers: ClinVar variation 4712429 (VCV004712429.1).

ClinVar aggregate classification (germline): Uncertain significance (1 of 4 stars; one submission).

Conditions:
Hypertrophic cardiomyopathy. Also called: HYPERTROPHIC MYOCARDIOPATHY. Identifiers: Orphanet 217569, MedGen C0007194, MeSH D002312, MONDO:0005045, HP:0001639.

Submission:

Labcorp Genetics (formerly Invitae), Labcorp
Classification: Uncertain significance for Hypertrophic cardiomyopathy. Last evaluated: 2025-02-06. Review status: criteria provided, single submitter. Criteria: Invitae Variant Classification Sherloc (09022015). Collection method: clinical testing. Allele origin: germline.
Comment: This sequence change replaces glutamic acid, which is acidic and polar, with glycine, which is neutral and non-polar, at codon 492 of the MYBPC3 protein (p.Glu492Gly). This variant is not present in population databases (gnomAD no frequency). This variant has not been reported in the literature in individuals affected with MYBPC3-related conditions. An algorithm developed to predict the effect of missense changes on protein structure and function (PolyPhen-2) suggests that this variant is likely to be disruptive. In summary, the available evidence is currently insufficient to determine the role of this variant in disease. Therefore, it has been classified as a Variant of Uncertain Significance.